The following is an entry in ClinVar:

NM_003322.6(TULP1):c.575C>T (p.Thr192Ile)

Gene: TULP1 (TUB like protein 1; minus strand). Cytogenetic location: 6p21.31.
Variant type: single nucleotide variant.
Coding change: c.575C>T on transcript NM_003322.6 (MANE Select); coding-DNA position 575, C replaced by T.
Protein change: p.Thr192Ile; replaces threonine 192 with isoleucine.
Molecular consequence: missense variant.
Genome position (GRCh38, 1-based): chr6:35,509,853, G>A on the plus strand (C>T on the coding strand, the complement: TULP1 is on the minus strand). VCF-style: chr6-35509853-G-A. GRCh37 (hg19) VCF-style: chr6-35477630-G-A.
Other names: c.416C>T, p.Thr139Ile (NM_001289395.2); c.575C>T (NM_003322.3, NM_003322.5); short protein forms T192I, T139I.
Identifiers: ClinVar variation 840717 (VCV000840717.12), dbSNP rs138133926, ClinGen allele CA3772876.

ClinVar aggregate classification (germline): Conflicting classifications of pathogenicity. Review status: criteria provided, conflicting classifications (1 of 4 stars). 5 submissions from 5 submitters: Uncertain significance (2); Likely benign (3). Last evaluated 2026-02-11.

Conditions:
Inborn genetic diseases. Identifiers: MedGen C0950123, MeSH D030342.
TULP1-related disorder. Also called: TULP1-related condition; TULP1-related disorders.

Allele frequency attached by ClinVar (database versions not stated): gnomAD exomes 0.00004 and 0.00014; ExAC 0.00013; 1000 Genomes Project 30x 0.00016; 1000 Genomes Project 0.00020; gnomAD 0.00040 and 0.00042; TOPMed 0.00052; ESP Exome Variant Server 0.00054.
gnomAD v4.1: 119 of 1,613,878 alleles (0.0074%); highest among the groups gnomAD compares: African/African-American, 0.15%; no homozygotes.

Submissions (5):

GeneDx
Classification: Uncertain significance. Last evaluated: 2026-02-11. Review status: criteria provided, single submitter. Criteria: GeneDx Variant Classification Process June 2021. Collection method: clinical testing. Allele origin: germline.
Comment: In silico analysis supports that this missense variant has a deleterious effect on protein structure/function; Has not been previously published as pathogenic or benign to our knowledge; This variant is associated with the following publications: (PMID: 26934580)

Labcorp Genetics (formerly Invitae), Labcorp
Classification: Likely benign. Last evaluated: 2026-01-27. Review status: criteria provided, single submitter. Criteria: Invitae Variant Classification Sherloc (09022015). Collection method: clinical testing. Allele origin: germline.

PreventionGenetics, part of Exact Sciences
Classification: Likely benign for TULP1-related condition. Last evaluated: 2025-06-06. Review status: criteria provided, single submitter. Criteria: ACMG Guidelines, 2015. Collection method: clinical testing. Allele origin: germline.
Comment: This variant is classified as likely benign based on ACMG/AMP sequence variant interpretation guidelines (Richards et al. 2015 PMID: 25741868, with internal and published modifications).

Blueprint Genetics
Classification: Likely benign. Last evaluated: 2023-11-13. Review status: criteria provided, single submitter. Criteria: ACMG Guidelines, 2015. Collection method: clinical testing. Allele origin: germline.

Ambry Genetics
Classification: Uncertain significance for Inborn genetic diseases. Last evaluated: 2022-12-01. Review status: criteria provided, single submitter. Criteria: Ambry Variant Classification Scheme 2023. Collection method: clinical testing. Allele origin: germline.